The following is an entry in ClinVar:

NM_005263.5(GFI1):c.168C>T (p.Ser56=)

Gene: GFI1 (growth factor independent 1 transcriptional repressor; minus strand). Cytogenetic location: 1p22.1.
Variant type: single nucleotide variant.
Coding change: c.168C>T on transcript NM_005263.5 (MANE Select); coding-DNA position 168, C replaced by T.
Protein change: p.Ser56=; no amino-acid change (serine 56 retained).
Molecular consequence: synonymous variant.
Genome position (GRCh38, 1-based): chr1:92,482,994, G>A on the plus strand (C>T on the coding strand, the complement: GFI1 is on the minus strand). VCF-style: chr1-92482994-G-A. GRCh37 (hg19) VCF-style: chr1-92948551-G-A.
Other names: c.168C>T, p.Ser56= (NM_001127215.3, NM_001127216.3).
Identifiers: ClinVar variation 259702 (VCV000259702.46), dbSNP rs143913803, ClinGen allele CA951471.

ClinVar aggregate classification (germline): Benign/Likely benign. Review status: criteria provided, multiple submitters, no conflicts (2 of 4 stars). 8 submissions from 8 submitters: Benign (2); Likely benign (6). Last evaluated 2026-02-04.

Conditions:
Neutropenia, severe congenital, 2, autosomal dominant. Identifiers: Orphanet 486, MedGen C2751288, MONDO:0013139, OMIM 613107.

Allele frequency attached by ClinVar (database versions not stated): ESP Exome Variant Server 0.00377; TOPMed 0.00388; gnomAD exomes 0.00501 and 0.00252; ExAC 0.00220; 1000 Genomes Project 0.00240; 1000 Genomes Project 30x 0.00281; gnomAD 0.00346 and 0.00353.
gnomAD v4.1: 7,793 of 1,610,104 alleles (0.48%); highest among the groups gnomAD compares: Non-Finnish European, 0.6%; 27 homozygotes.

Submissions (8):

Labcorp Genetics (formerly Invitae), Labcorp
Classification: Benign for Neutropenia, severe congenital, 2, autosomal dominant. Last evaluated: 2026-02-04. Review status: criteria provided, single submitter. Criteria: Invitae Variant Classification Sherloc (09022015). Collection method: clinical testing. Allele origin: germline.

CeGaT Center for Human Genetics Tuebingen
Classification: Likely benign. Last evaluated: 2025-07-01. Review status: criteria provided, single submitter. Criteria: CeGaT Center For Human Genetics Tuebingen Variant Classification Criteria Version 2. Collection method: clinical testing. Allele origin: germline. Affected: yes. Observed: 6 variant alleles.
Comment: GFI1: BP4, BP7, BS2

ARUP Laboratories, Molecular Genetics and Genomics, ARUP Laboratories
Classification: Benign. Last evaluated: 2025-05-15. Review status: criteria provided, single submitter. Criteria: ARUP Molecular Germline Variant Investigation Process 2024. Collection method: clinical testing. Allele origin: germline.

Blueprint Genetics
Classification: Likely benign. Last evaluated: 2024-11-13. Review status: criteria provided, single submitter. Criteria: ACMG Guidelines, 2015. Collection method: clinical testing. Allele origin: germline.

Ambry Genetics
Classification: Likely benign. Last evaluated: 2024-10-02. Review status: criteria provided, single submitter. Criteria: Ambry Variant Classification Scheme 2023. Collection method: clinical testing. Allele origin: germline.

Genetic Services Laboratory, University of Chicago
Classification: Likely benign. Last evaluated: 2015-09-24. Review status: criteria provided, single submitter. Criteria: ACMG Guidelines, 2015. Collection method: clinical testing. Allele origin: germline. Affected: no.

Breakthrough Genomics
Classification: Likely benign. Review status: criteria provided, single submitter. Criteria: ACMG Guidelines, 2015. Collection method: not provided. Allele origin: germline. Inheritance: Autosomal dominant inheritance. Affected: yes.

PreventionGenetics, part of Exact Sciences
Classification: Likely benign. Review status: criteria provided, single submitter. Criteria: ACMG Guidelines, 2015. Collection method: clinical testing. Allele origin: germline.